The following is an entry in ClinVar:

NM_001430.5(EPAS1):c.1291A>T (p.Ile431Phe)

Gene: EPAS1 (endothelial PAS domain protein 1; plus strand). Cytogenetic location: 2p21.
Variant type: single nucleotide variant.
Coding change: c.1291A>T on transcript NM_001430.5 (MANE Select); coding-DNA position 1291, A replaced by T.
Protein change: p.Ile431Phe; replaces isoleucine 431 with phenylalanine.
Molecular consequence: missense variant.
Genome position (GRCh38, 1-based): chr2:46,377,935, A>T. VCF-style: chr2-46377935-A-T. GRCh37 (hg19) VCF-style: chr2-46605074-A-T.
Other names: short protein forms I431F.
Identifiers: ClinVar variation 1769104 (VCV001769104.2), dbSNP rs1046235137, ClinGen allele CA46563787.

ClinVar aggregate classification (germline): Uncertain significance (1 of 4 stars; one submission).

Conditions:
Inborn genetic diseases. Identifiers: MedGen C0950123, MeSH D030342.

Allele frequency attached by ClinVar (database versions not stated): gnomAD exomes below 0.00001; TOPMed below 0.00001.
gnomAD v4.1: 6 of 1,555,846 alleles (0.00039%); highest among the groups gnomAD compares: Non-Finnish European, 0.00052%; no homozygotes.

Submission:

Ambry Genetics
Classification: Uncertain significance for Inborn genetic diseases. Last evaluated: 2021-08-27. Review status: criteria provided, single submitter. Criteria: Ambry Variant Classification Scheme 2023. Collection method: clinical testing. Allele origin: germline.
Comment: The p.I431F variant (also known as c.1291A>T), located in coding exon 10 of the EPAS1 gene, results from an A to T substitution at nucleotide position 1291. The isoleucine at codon 431 is replaced by phenylalanine, an amino acid with highly similar properties. This amino acid position is conserved. In addition, this alteration is predicted to be tolerated by in silico analysis. Since supporting evidence is limited at this time, the clinical significance of this alteration remains unclear.